The following is an entry in ClinVar:

NM_000088.4(COL1A1):c.1767+4A>G

Gene: COL1A1 (collagen type I alpha 1 chain; minus strand). Cytogenetic location: 17q21.33.
Variant type: single nucleotide variant.
Coding change: c.1767+4A>G on transcript NM_000088.4 (MANE Select); 4 bases into the intron after coding-DNA position 1767, A replaced by G.
Molecular consequence: intron variant.
Genome position (GRCh38, 1-based): chr17:50,193,939, T>C on the plus strand (A>G on the coding strand, the complement: COL1A1 is on the minus strand). VCF-style: chr17-50193939-T-C. GRCh37 (hg19) VCF-style: chr17-48271300-T-C.
Identifiers: ClinVar variation 1330742 (VCV001330742.7), dbSNP rs2144569023, ClinGen allele CA2573054485.
Genomic context (GRCh38, chr17:50,193,939, plus strand): 5'-GGACTCCTTCAAGTCTCAGGTGTGTTTGTCCCTGGCTCTTCATGGATCCTCACTTAATAC[T>C]CACAGCAGCACCTTTAGGTCCAGGGAATCCCATCACACCAGCCTGACCACGGGCACCAGG-3'

ClinVar aggregate classification (germline): Uncertain significance (1 of 4 stars; one submission).

Submission:

ARUP Laboratories, Molecular Genetics and Genomics, ARUP Laboratories
Classification: Uncertain significance. Last evaluated: 2021-05-12. Review status: criteria provided, single submitter. Criteria: ARUP Molecular Germline Variant Investigation Process 2021. Collection method: clinical testing. Allele origin: germline.
Comment: This variant is also absent from general population databases (Exome Variant Server, Genome Aggregation Database), indicating it is not a common polymorphism. This is an intronic variant in a highly conserved nucleotide, and computational analyses (Alamut v.2.11) predict that this variant may impact splicing by weakening the nearby canonical donor splice site; however, RNA analyses would be required to confirm an effect on splicing. Other variants affecting this canonical splice donor site (c.1767+2T>C, c.1767+5G>A, c.1767+G>C) have been reported in individuals affected with osteogenesis imperfecta and are considered disease-causing (Schleit 2015, Marini 2007, Zhytnik 2017). Based on available information, the c.1767+4A>G variant is considered to be likely pathogenic. References: Schleit J et al. Molecular Outcome, Prediction, and Clinical Consequences of Splice Variants in COL1A1, Which Encodes the proalpha1(I) Chains of Type I Procollagen. Hum Mutat. 2015 Jul;36(7):728-39. PMID: 25963598. Marini JC et al. Consortium for osteogenesis imperfecta mutations in the helical domain of type I collagen: regions rich in lethal mutations align with collagen binding sites for integrins and proteoglycans. Hum Mutat. 2007 Mar;28(3):209-21. PMID: 17078022. Zhytnik L et al. Mutational analysis of COL1A1 and COL1A2 genes among Estonian osteogenesis imperfecta patients. Hum Genomics. 2017 Aug 15;11(1):19. PMID: 28810924.